The following is an entry in ClinVar:

ClinVar aggregate classification (germline): Pathogenic (0 of 4 stars; one submission).

Submission:

GenMed Metabolism Lab
Classification: Pathogenic. Review status: no assertion criteria provided. Collection method: not provided. Allele origin: unknown.
ClinVar note: Converted during submission from pathogenic to Pathogenic.

NM_000531.6(OTC):c.718-2A>G

Gene: OTC (ornithine transcarbamylase; plus strand). Cytogenetic location: Xp11.4.
Variant type: single nucleotide variant.
Coding change: c.718-2A>G on transcript NM_000531.6 (MANE Select); the canonical splice acceptor site of the intron before coding-DNA position 718, A replaced by G.
Molecular consequence: splice acceptor variant.
Genome position (GRCh38, 1-based): chrX:38,408,874, A>G. VCF-style: chrX-38408874-A-G. GRCh37 (hg19) VCF-style: chrX-38268127-A-G.
Other names: c.718-2A>G (NM_001407092.1).
Identifiers: ClinVar variation 97303 (VCV000097303.2), dbSNP rs72558433, ClinGen allele CA224761.